The following is an entry in ClinVar:

ClinVar aggregate classification (germline): Uncertain significance. Review status: criteria provided, multiple submitters, no conflicts (2 of 4 stars). 2 submissions from 2 submitters: Uncertain significance (2). Last evaluated 2023-11-20.

Conditions:
Hereditary cancer-predisposing syndrome. Also called: Neoplastic Syndromes, Hereditary; Tumor predisposition; Hereditary Cancer Syndrome; Hereditary neoplastic syndrome. Identifiers: Orphanet 140162, MedGen C0027672, MeSH D009386, MONDO:0015356.
Ataxia-telangiectasia-like disorder (ATLD). Identifiers: MedGen C1858391, MONDO:0011457.

Allele frequency attached by ClinVar (database versions not stated): gnomAD exomes below 0.00001.
gnomAD v4.1: 1 of 1,613,932 alleles (0.000062%); highest among the groups gnomAD compares: South Asian, 0.0011%; no homozygotes.

Submissions (2):

Labcorp Genetics (formerly Invitae), Labcorp
Classification: Uncertain significance for Ataxia-telangiectasia-like disorder. Last evaluated: 2023-11-20. Review status: criteria provided, single submitter. Criteria: Invitae Variant Classification Sherloc (09022015). Collection method: clinical testing. Allele origin: germline.
Comment: This sequence change replaces alanine, which is neutral and non-polar, with proline, which is neutral and non-polar, at codon 6 of the MRE11 protein (p.Ala6Pro). This variant is not present in population databases (gnomAD no frequency). This variant has not been reported in the literature in individuals affected with MRE11-related conditions. ClinVar contains an entry for this variant (Variation ID: 534767). Algorithms developed to predict the effect of missense changes on protein structure and function output the following: SIFT: "Not Available"; PolyPhen-2: "Benign"; Align-GVGD: "Not Available". The proline amino acid residue is found in multiple mammalian species, which suggests that this missense change does not adversely affect protein function. In summary, the available evidence is currently insufficient to determine the role of this variant in disease. Therefore, it has been classified as a Variant of Uncertain Significance.

Ambry Genetics
Classification: Uncertain significance for Hereditary cancer-predisposing syndrome. Last evaluated: 2021-12-27. Review status: criteria provided, single submitter. Criteria: Ambry Variant Classification Scheme 2023. Collection method: clinical testing. Allele origin: germline.
Comment: The p.A6P variant (also known as c.16G>C), located in coding exon 1 of the MRE11A gene, results from a G to C substitution at nucleotide position 16. The alanine at codon 6 is replaced by proline, an amino acid with highly similar properties. This amino acid position is conserved. In addition, this alteration is predicted to be tolerated by in silico analysis. Since supporting evidence is limited at this time, the clinical significance of this alteration remains unclear.

NM_005591.4(MRE11):c.16G>C (p.Ala6Pro)

Gene: MRE11 (MRE11 double strand break repair nuclease; minus strand). Cytogenetic location: 11q21.
Variant type: single nucleotide variant.
Coding change: c.16G>C on transcript NM_005591.4 (MANE Select); coding-DNA position 16, G replaced by C.
Protein change: p.Ala6Pro; replaces alanine 6 with proline.
Molecular consequence: missense variant.
Genome position (GRCh38, 1-based): chr11:94,492,786, C>G on the plus strand (G>C on the coding strand, the complement: MRE11 is on the minus strand). VCF-style: chr11-94492786-C-G. GRCh37 (hg19) VCF-style: chr11-94225952-C-G.
Other names: c.16G>C, p.Ala6Pro (NM_001330347.2, NM_005590.4); short protein forms A6P.
Identifiers: ClinVar variation 534767 (VCV000534767.12), dbSNP rs1060501784, ClinGen allele CA382381558.